The following is an entry in ClinVar:

ClinVar aggregate classification (germline): Pathogenic (1 of 4 stars; one submission).
ClinVar aggregate classification (somatic clinical impact): Tier II - Potential (1 of 4 stars; one submission).

Conditions:
Rhabdomyosarcoma. Also called: Rhabdomyosarcoma (disease). Identifiers: Orphanet 780, MedGen C0035412, MeSH D012208, MONDO:0005212, HP:0002859.

Allele frequency attached by ClinVar (database versions not stated): gnomAD exomes below 0.00001; TOPMed 0.00001.
gnomAD v4.1: 6 of 1,613,766 alleles (0.00037%); highest among the groups gnomAD compares: East Asian, 0.0022%; no homozygotes.

Submissions (2):

Institute for Genomic Medicine (IGM) Clinical Laboratory, Nationwide Children's Hospital
Classification: Tier II - Potential for Rhabdomyosarcoma. Assertion type: diagnostic. Clinical significance: supports diagnosis. Last evaluated: 2024-03-29. Review status: criteria provided, single submitter. Criteria: AMP/ASCO/CAP Guidelines, 2017. Collection method: clinical testing. Allele origin: somatic. Affected: yes.
Comment: Variant has Tier II (potential) clinical significance as a diagnostic inclusion criterion in rhabdomyosarcoma, based on the following evidence: 1) Assists in diagnosis alone or along with other biomarkers based on small studies or few case reports (Evidence Level D; PMIDs: 35615148, 27009864).

Labcorp Genetics (formerly Invitae), Labcorp
Classification: Pathogenic. Last evaluated: 2024-01-24. Review status: criteria provided, single submitter. Criteria: Invitae Variant Classification Sherloc (09022015). Collection method: clinical testing. Allele origin: germline.
Comment: This sequence change creates a premature translational stop signal (p.Arg1504*) in the ROBO1 gene. It is expected to result in an absent or disrupted protein product. Loss-of-function variants in ROBO1 are known to be pathogenic (PMID: 29194579, 35227688). This variant is present in population databases (no rsID available, gnomAD 0.0009%). This variant has not been reported in the literature in individuals affected with ROBO1-related conditions. ClinVar contains an entry for this variant (Variation ID: 1931046). For these reasons, this variant has been classified as Pathogenic.

Literature cited by the submitters: PubMed 35615148 (cited by Institute for Genomic Medicine (IGM) Clinical Laboratory, Nationwide Children's Hospital); PubMed 27009864 (cited by Institute for Genomic Medicine (IGM) Clinical Laboratory, Nationwide Children's Hospital); PubMed 29194579 (cited by Labcorp Genetics (formerly Invitae), Labcorp); PubMed 35227688 (cited by Labcorp Genetics (formerly Invitae), Labcorp).

NM_002941.4(ROBO1):c.4510C>T (p.Arg1504Ter)

Gene: ROBO1 (roundabout guidance receptor 1; minus strand). Cytogenetic location: 3p12.3.
Variant type: single nucleotide variant.
Coding change: c.4510C>T on transcript NM_002941.4 (MANE Select); coding-DNA position 4510, C replaced by T.
Protein change: p.Arg1504Ter; replaces arginine 1504 with a stop codon.
Molecular consequence: nonsense.
Genome position (GRCh38, 1-based): chr3:78,606,967, G>A on the plus strand (C>T on the coding strand, the complement: ROBO1 is on the minus strand). VCF-style: chr3-78606967-G-A. GRCh37 (hg19) VCF-style: chr3-78656117-G-A.
Other names: c.4375C>T, p.Arg1459Ter (NM_001145844.1, NM_133631.4); c.4210C>T, p.Arg1404Ter (NM_001145845.2); short protein forms R1504*, R1404*, R1459*.
Identifiers: ClinVar variation 1931046 (VCV001931046.6), dbSNP rs1181501831, ClinGen allele CA353683639.
Genomic context (GRCh38, chr3:78,606,967, plus strand): 5'-TGTCTGATGATCTGTCTGTTCTTGCATCCATAGAAGGGAGTTTTGGCACCACTACAGGTC[G>A]TACTTCCAGCTGTGTCTTGGATTGGGCAGTAGGTGACTTTATAGCAGGTGGCGGCACAGG-3'